The following is an entry in ClinVar:

NM_001009999.3(KDM1A):c.191A>C (p.Glu64Ala)

Gene: KDM1A (lysine demethylase 1A; plus strand). Cytogenetic location: 1p36.12.
Variant type: single nucleotide variant.
Coding change: c.191A>C on transcript NM_001009999.3 (MANE Select); coding-DNA position 191, A replaced by C.
Protein change: p.Glu64Ala; replaces glutamic acid 64 with alanine.
Molecular consequence: missense variant.
Genome position (GRCh38, 1-based): chr1:23,019,787, A>C. VCF-style: chr1-23019787-A-C. GRCh37 (hg19) VCF-style: chr1-23346280-A-C.
Other names: c.191A>C, p.Glu64Ala (NM_001363654.2, NM_001410762.1, NM_001410763.1 and 1 more transcripts); short protein forms E64A.
Identifiers: ClinVar variation 3390123 (VCV003390123.14).
Genomic context (GRCh38, chr1:23,019,787, plus strand): 5'-TGTCGGGCCCAGCCGAGGTCGGGCCGGGGGCGGTGGGGGAGCGCACACCCCGCAAGAAAG[A>C]GCCTCCGCGGGCCTCGCCCCCCGGGGGCCTGGCGGAACCGCCGGGGTCCGCAGGGCCTCA-3'
Protein context (NP_001009999.1, residues 54-74): AVGERTPRKK[Glu64Ala]PPRASPPGGL

ClinVar aggregate classification (germline): Uncertain significance (1 of 4 stars; one submission).

Submission:

CeGaT Center for Human Genetics Tuebingen
Classification: Uncertain significance. Last evaluated: 2024-11-01. Review status: criteria provided, single submitter. Criteria: CeGaT Center For Human Genetics Tuebingen Variant Classification Criteria Version 2. Collection method: clinical testing. Allele origin: germline. Affected: yes. Observed: 1 variant allele.
Comment: KDM1A: PM2, PP2